The following is an entry in ClinVar:

NM_001164508.2(NEB):c.6687A>G (p.Ala2229=)

Gene: NEB (nebulin; minus strand). Cytogenetic location: 2q23.3.
Variant type: single nucleotide variant.
Coding change: c.6687A>G on transcript NM_001164508.2 (MANE Select); coding-DNA position 6687, A replaced by G.
Protein change: p.Ala2229=; no amino-acid change (alanine 2229 retained).
Molecular consequence: synonymous variant.
Genome position (GRCh38, 1-based): chr2:151,655,832, T>C on the plus strand (A>G on the coding strand, the complement: NEB is on the minus strand). VCF-style: chr2-151655832-T-C. GRCh37 (hg19) VCF-style: chr2-152512346-T-C.
Other names: c.6687A>G, p.Ala2229= (NM_001164507.2, NM_001271208.2, NM_004543.5).
Identifiers: ClinVar variation 1152832 (VCV001152832.32), dbSNP rs747606446, ClinGen allele CA1910045.

ClinVar aggregate classification (germline): Likely benign. Review status: criteria provided, multiple submitters, no conflicts (2 of 4 stars). 3 submissions from 3 submitters: Likely benign (3). Last evaluated 2025-06-26.

Conditions:
Nemaline myopathy 2 (NEM2). Also called: Nemaline myopathy 2, autosomal recessive. Identifiers: MedGen C1850569, MONDO:0009725, OMIM 256030.

Allele frequency attached by ClinVar (database versions not stated): gnomAD exomes below 0.00001 and 0.00001; ExAC 0.00001; TOPMed 0.00001; gnomAD 0.00002.
gnomAD v4.1: 6 of 1,613,540 alleles (0.00037%); highest among the groups gnomAD compares: Non-Finnish European, 0.00042%; no homozygotes.

Submissions (3):

Labcorp Genetics (formerly Invitae), Labcorp
Classification: Likely benign for Nemaline myopathy 2. Last evaluated: 2025-06-26. Review status: criteria provided, single submitter. Criteria: Invitae Variant Classification Sherloc (09022015). Collection method: clinical testing. Allele origin: germline.

CeGaT Center for Human Genetics Tuebingen
Classification: Likely benign. Last evaluated: 2023-11-01. Review status: criteria provided, single submitter. Criteria: CeGaT Center For Human Genetics Tuebingen Variant Classification Criteria Version 2. Collection method: clinical testing. Allele origin: germline. Affected: yes. Observed: 1 variant allele.
Comment: NEB: BP4, BP7

Blueprint Genetics
Classification: Likely benign. Last evaluated: 2021-04-01. Review status: criteria provided, single submitter. Criteria: ACMG Guidelines, 2015. Collection method: clinical testing. Allele origin: germline.